The following is an entry in ClinVar:

ClinVar aggregate classification (germline): Uncertain significance (1 of 4 stars; one submission).

Conditions:
Neurofibromatosis, type 1 (NF1). Also called: VON RECKLINGHAUSEN DISEASE; Neurofibromatosis, type I; Peripheral type neurofibromatosis; NEUROFIBROMATOSIS, TYPE I, SOMATIC. Identifiers: Orphanet 636, MedGen C0027831, MONDO:0018975, OMIM 162200. Disease mechanism: loss of function.

Submission:

Labcorp Genetics (formerly Invitae), Labcorp
Classification: Uncertain significance for Neurofibromatosis, type 1. Last evaluated: 2023-03-26. Review status: criteria provided, single submitter. Criteria: Invitae Variant Classification Sherloc (09022015). Collection method: clinical testing. Allele origin: germline.
Comment: This sequence change replaces serine, which is neutral and polar, with cysteine, which is neutral and slightly polar, at codon 2167 of the NF1 protein (p.Ser2167Cys). This variant is not present in population databases (gnomAD no frequency). This variant has not been reported in the literature in individuals affected with NF1-related conditions. Advanced modeling of protein sequence and biophysical properties (such as structural, functional, and spatial information, amino acid conservation, physicochemical variation, residue mobility, and thermodynamic stability) has been performed at Invitae for this missense variant, however the output from this modeling did not meet the statistical confidence thresholds required to predict the impact of this variant on NF1 protein function. In summary, the available evidence is currently insufficient to determine the role of this variant in disease. Therefore, it has been classified as a Variant of Uncertain Significance.

NM_001042492.3(NF1):c.6563C>G (p.Ser2188Cys)

Gene: NF1 (neurofibromin 1; plus strand). Cytogenetic location: 17q11.2.
Variant type: single nucleotide variant.
Coding change: c.6563C>G on transcript NM_001042492.3 (MANE Select); coding-DNA position 6563, C replaced by G.
Protein change: p.Ser2188Cys; replaces serine 2188 with cysteine.
Molecular consequence: missense variant.
Genome position (GRCh38, 1-based): chr17:31,337,503, C>G. VCF-style: chr17-31337503-C-G. GRCh37 (hg19) VCF-style: chr17-29664521-C-G.
Other names: c.6500C>G, p.Ser2167Cys (NM_000267.4); short protein forms S2167C, S2188C.
Identifiers: ClinVar variation 2849522 (VCV002849522.3), dbSNP rs1555534877, ClinGen allele CA399013288.